The following is an entry in ClinVar:

ClinVar aggregate classification (germline): Uncertain significance. Review status: criteria provided, multiple submitters, no conflicts (2 of 4 stars). 3 submissions from 3 submitters: Uncertain significance (2). 1 of the submissions does not count toward it. Last evaluated 2025-11-18.

Conditions:
BBIP1-related disorder. Also called: BBIP1-related condition.

Allele frequency attached by ClinVar (database versions not stated): gnomAD 0.00001; TOPMed 0.00002.
gnomAD v4.1: 7 of 1,534,230 alleles (0.00046%); highest among the groups gnomAD compares: Admixed American, 0.014%; no homozygotes.

Submissions (3):

Labcorp Genetics (formerly Invitae), Labcorp
Classification: Uncertain significance. Last evaluated: 2025-11-18. Review status: criteria provided, single submitter. Criteria: Invitae Variant Classification Sherloc (09022015). Collection method: clinical testing. Allele origin: germline.
Comment: This sequence change replaces asparagine, which is neutral and polar, with lysine, which is basic and polar, at codon 15 of the BBIP1 protein (p.Asn15Lys). This variant is present in population databases (rs199902592, gnomAD 0.02%). This variant has not been reported in the literature in individuals affected with BBIP1-related conditions. ClinVar contains an entry for this variant (Variation ID: 1000039). An algorithm developed to predict the effect of missense changes on protein structure and function (PolyPhen-2) suggests that this variant is likely to be disruptive. In summary, the available evidence is currently insufficient to determine the role of this variant in disease. Therefore, it has been classified as a Variant of Uncertain Significance.

Blueprint Genetics
Classification: Uncertain significance. Last evaluated: 2019-10-29. Review status: criteria provided, single submitter. Criteria: ACMG Guidelines, 2015. Collection method: clinical testing. Allele origin: germline.

PreventionGenetics, part of Exact Sciences
Classification: Uncertain significance for BBIP1-related condition. Last evaluated: 2024-02-15. Review status: no assertion criteria provided. Collection method: clinical testing. Allele origin: germline. Not counted in ClinVar's aggregate classification.
Comment: The BBIP1 c.45C>G variant is predicted to result in the amino acid substitution p.Asn15Lys. To our knowledge, this variant has not been reported in the literature. This variant is reported in 0.020% of alleles in individuals of Latino descent in gnomAD. At this time, the clinical significance of this variant is uncertain due to the absence of conclusive functional and genetic evidence.

NM_001195305.3(BBIP1):c.45C>G (p.Asn15Lys)

Gene: BBIP1 (BBSome interacting protein 1; minus strand). Cytogenetic location: 10q25.2.
Variant type: single nucleotide variant.
Coding change: c.45C>G on transcript NM_001195305.3 (MANE Select); coding-DNA position 45, C replaced by G.
Protein change: p.Asn15Lys; replaces asparagine 15 with lysine.
Molecular consequence: missense variant. On other transcripts: 5 prime UTR variant (1), intron variant (1).
Genome position (GRCh38, 1-based): chr10:110,901,605, G>C on the plus strand (C>G on the coding strand, the complement: BBIP1 is on the minus strand). VCF-style: chr10-110901605-G-C. GRCh37 (hg19) VCF-style: chr10-112661363-G-C.
Other names: c.202C>G, p.His68Asp (NM_001195304.2); c.45C>G, p.Asn15Lys (NM_001195306.2); c.-22C>G (NM_001243783.3); c.38-1079C>G (NM_001195307.2); c.45C>G (NM_001195306.1); short protein forms H68D, N15K.
Identifiers: ClinVar variation 1000039 (VCV001000039.11), dbSNP rs199902592, ClinGen allele CA213247831.